The following is an entry in ClinVar:

ClinVar aggregate classification (germline): Uncertain significance (1 of 4 stars; one submission).

Conditions:
Familial adenomatous polyposis 1 (FAP1). Also called: FAMILIAL ADENOMATOUS POLYPOSIS 1, ATTENUATED; POLYPOSIS, ADENOMATOUS INTESTINAL. Identifiers: MedGen C2713442, MONDO:0021056, OMIM 175100. Disease mechanism: loss of function.

Submission:

Labcorp Genetics (formerly Invitae), Labcorp
Classification: Uncertain significance for Familial adenomatous polyposis 1. Last evaluated: 2022-09-01. Review status: criteria provided, single submitter. Criteria: Invitae Variant Classification Sherloc (09022015). Collection method: clinical testing. Allele origin: germline.
Comment: This sequence change replaces serine, which is neutral and polar, with alanine, which is neutral and non-polar, at codon 1842 of the APC protein (p.Ser1842Ala). In summary, the available evidence is currently insufficient to determine the role of this variant in disease. Therefore, it has been classified as a Variant of Uncertain Significance. Algorithms developed to predict the effect of missense changes on protein structure and function are either unavailable or do not agree on the potential impact of this missense change (SIFT: "Deleterious"; PolyPhen-2: "Probably Damaging"; Align-GVGD: "Class C0"). This variant has not been reported in the literature in individuals affected with APC-related conditions. This variant is not present in population databases (gnomAD no frequency).

NM_000038.6(APC):c.5524T>G (p.Ser1842Ala)

Gene: APC (APC regulator of Wnt signaling pathway; plus strand). Cytogenetic location: 5q22.2.
Variant type: single nucleotide variant.
Coding change: c.5524T>G on transcript NM_000038.6 (MANE Select); coding-DNA position 5524, T replaced by G.
Protein change: p.Ser1842Ala; replaces serine 1842 with alanine.
Molecular consequence: missense variant.
Genome position (GRCh38, 1-based): chr5:112,841,118, T>G. VCF-style: chr5-112841118-T-G. GRCh37 (hg19) VCF-style: chr5-112176815-T-G.
Other names: c.4675T>G, p.Ser1559Ala (NM_001407470.1, NM_001354906.2); c.4372T>G, p.Ser1458Ala (NM_001407471.1, NM_001407472.1); c.5524T>G, p.Ser1842Ala (NM_001127510.3, NM_001354895.2, NM_001407450.1); c.5470T>G, p.Ser1824Ala (NM_001127511.3); c.5578T>G, p.Ser1860Ala (NM_001354896.2, NM_001407447.1, NM_001407448.1 and 1 more transcripts); c.5554T>G, p.Ser1852Ala (NM_001354897.2); c.5449T>G, p.Ser1817Ala (NM_001354898.2); c.5440T>G, p.Ser1814Ala (NM_001354899.2); and 11 more; short protein forms S1682A, S1741A, S1801A, S1832A, S1870A, S1713A, S1751A, S1814A.
Identifiers: ClinVar variation 2044459 (VCV002044459.4), dbSNP rs754648125, ClinGen allele CA16033419.